The following is an entry in ClinVar:

NM_015512.5(DNAH1):c.4980+9G>A

Gene: DNAH1 (dynein axonemal heavy chain 1; plus strand). Cytogenetic location: 3p21.1.
Variant type: single nucleotide variant.
Coding change: c.4980+9G>A on transcript NM_015512.5 (MANE Select); 9 bases into the intron after coding-DNA position 4980, G replaced by A.
Molecular consequence: intron variant.
Genome position (GRCh38, 1-based): chr3:52,361,775, G>A. VCF-style: chr3-52361775-G-A. GRCh37 (hg19) VCF-style: chr3-52395791-G-A.
Other names: c.4980+9G>A (NM_015512.4).
Identifiers: ClinVar variation 2196136 (VCV002196136.6), dbSNP rs376801758, ClinGen allele CA2434050.
Genomic context (GRCh38, chr3:52,361,775, plus strand): 5'-GTCTGTGGTGGCGCAGCAGATCACCACCATCCAGAAGGCGCAGCAGCAGCGGGTGAGCCC[G>A]GGGGACCCACCTTACTCCCTCAGATCTGCCATACTCACGCCGCCATACTGCTCCCCATTG-3'

ClinVar aggregate classification (germline): Likely benign. Review status: criteria provided, single submitter (1 of 4 stars). 2 submissions from 2 submitters: Likely benign (1). 1 of the submissions does not count toward it. Last evaluated 2026-01-07.

Conditions:
DNAH1-related disorder. Also called: DNAH1-related condition.
Spermatogenic failure 18. Identifiers: MedGen C4539783, MONDO:0054615, OMIM 617576.
Ciliary dyskinesia, primary, 37 (CILD37). Also called: CILIARY DYSKINESIA, PRIMARY, 37, WITH OR WITHOUT SITUS INVERSUS. Identifiers: MedGen C4539798, MONDO:0033204, OMIM 617577.

Allele frequency attached by ClinVar (database versions not stated): TOPMed 0.00001; gnomAD exomes 0.00001; gnomAD 0.00001; ExAC 0.00007; ESP Exome Variant Server 0.00008.

Submissions (2):

Labcorp Genetics (formerly Invitae), Labcorp
Classification: Likely benign for Ciliary dyskinesia, primary, 37; Spermatogenic failure 18. Last evaluated: 2026-01-07. Review status: criteria provided, single submitter. Criteria: Invitae Variant Classification Sherloc (09022015). Collection method: clinical testing. Allele origin: germline.

PreventionGenetics, part of Exact Sciences
Classification: Likely benign for DNAH1-related condition. Last evaluated: 2023-08-21. Review status: no assertion criteria provided. Collection method: clinical testing. Allele origin: germline. Not counted in ClinVar's aggregate classification.
Comment: This variant is classified as likely benign based on ACMG/AMP sequence variant interpretation guidelines (Richards et al. 2015 PMID: 25741868, with internal and published modifications).